The following is an entry in ClinVar:

NM_000540.3(RYR1):c.13639del (p.Val4547fs)

Gene: RYR1 (ryanodine receptor 1; plus strand). Cytogenetic location: 19q13.2.
Variant type: Deletion.
Coding change: c.13639del on transcript NM_000540.3 (MANE Select); coding-DNA position 13639, one base deleted (G; older notation c.13639delG).
Protein change: p.Val4547fs; shifts the reading frame from valine 4547.
Molecular consequence: frameshift variant.
Genome position (GRCh38, 1-based): chr19:38,567,897, G deleted; the last of 2 consecutive G bases (chr19:38,567,896-38,567,897); deleting either gives the same sequence. VCF-style (leftmost placement, unchanged base first): chr19-38567895-AG-A. GRCh37 (hg19) VCF-style: chr19-39058535-AG-A.
Other names: c.13624del, p.Val4542fs (NM_001042723.2); short protein forms V4542fs, V4547fs.
Identifiers: ClinVar variation 4715955 (VCV004715955.1).

ClinVar aggregate classification (germline): Pathogenic (1 of 4 stars; one submission).

Conditions:
RYR1-related disorder. Also called: RYR1-related condition; RYR1-related disorders. Identifiers: MedGen CN239331.

Submission:

Labcorp Genetics (formerly Invitae), Labcorp
Classification: Pathogenic for RYR1-related disorder. Last evaluated: 2025-08-04. Review status: criteria provided, single submitter. Criteria: Invitae Variant Classification Sherloc (09022015). Collection method: clinical testing. Allele origin: germline.
Comment: This sequence change creates a premature translational stop signal (p.Val4547Cysfs*4) in the RYR1 gene. It is expected to result in an absent or disrupted protein product. Loss-of-function variants in RYR1 are known to be pathogenic (PMID: 23919265, 25960145, 28818389, 30611313). This variant is not present in population databases (gnomAD no frequency). This variant has not been reported in the literature in individuals affected with RYR1-related conditions. For these reasons, this variant has been classified as Pathogenic.

Literature cited by the submitters: PubMed 23919265; PubMed 25960145; PubMed 28818389; PubMed 30611313.